The following is an entry in ClinVar:

ClinVar aggregate classification (germline): Uncertain significance. Review status: criteria provided, multiple submitters, no conflicts (2 of 4 stars). 2 submissions from 2 submitters: Uncertain significance (2). Last evaluated 2024-12-20.

Conditions:
Kufor-Rakeb syndrome (KRS). Also called: PARKINSON DISEASE 9, AUTOSOMAL RECESSIVE, JUVENILE-ONSET. Identifiers: Orphanet 306674, Orphanet 314632, MedGen C1847640, MONDO:0011706, OMIM 606693.
Autosomal recessive spastic paraplegia type 78. Identifiers: Orphanet 513436, MedGen C5567893, MONDO:0014975, OMIM 617225.
Inborn genetic diseases. Identifiers: MedGen C0950123, MeSH D030342.

Allele frequency attached by ClinVar (database versions not stated): gnomAD exomes 0.00001; ExAC 0.00003; TOPMed 0.00004; gnomAD 0.00006; 1000 Genomes Project 30x 0.00016; 1000 Genomes Project 0.00020.
gnomAD v4.1: 29 of 1,613,634 alleles (0.0018%); highest among the groups gnomAD compares: Middle Eastern, 0.033%; no homozygotes.

Submissions (2):

Ambry Genetics
Classification: Uncertain significance for Inborn genetic diseases. Last evaluated: 2024-12-20. Review status: criteria provided, single submitter. Criteria: Ambry Variant Classification Scheme 2023. Collection method: clinical testing. Allele origin: germline.

Labcorp Genetics (formerly Invitae), Labcorp
Classification: Uncertain significance for Kufor-Rakeb syndrome; Autosomal recessive spastic paraplegia type 78. Last evaluated: 2022-07-18. Review status: criteria provided, single submitter. Criteria: Invitae Variant Classification Sherloc (09022015). Collection method: clinical testing. Allele origin: germline.
Comment: This sequence change replaces threonine, which is neutral and polar, with methionine, which is neutral and non-polar, at codon 355 of the ATP13A2 protein (p.Thr355Met). This variant is present in population databases (rs555691965, gnomAD 0.01%). This variant has not been reported in the literature in individuals affected with ATP13A2-related conditions. ClinVar contains an entry for this variant (Variation ID: 1052718). Algorithms developed to predict the effect of missense changes on protein structure and function are either unavailable or do not agree on the potential impact of this missense change (SIFT: "Deleterious"; PolyPhen-2: "Probably Damaging"; Align-GVGD: "Class C0"). In summary, the available evidence is currently insufficient to determine the role of this variant in disease. Therefore, it has been classified as a Variant of Uncertain Significance.

NM_022089.4(ATP13A2):c.1064C>T (p.Thr355Met)

Gene: ATP13A2 (ATPase cation transporting 13A2; minus strand). Cytogenetic location: 1p36.13.
Variant type: single nucleotide variant.
Coding change: c.1064C>T on transcript NM_022089.4 (MANE Select); coding-DNA position 1064, C replaced by T.
Protein change: p.Thr355Met; replaces threonine 355 with methionine.
Molecular consequence: missense variant.
Genome position (GRCh38, 1-based): chr1:16,997,151, G>A on the plus strand (C>T on the coding strand, the complement: ATP13A2 is on the minus strand). VCF-style: chr1-16997151-G-A. GRCh37 (hg19) VCF-style: chr1-17323646-G-A.
Other names: c.1049C>T, p.Thr350Met (NM_001141973.3, NM_001141974.3); short protein forms T350M, T355M.
Identifiers: ClinVar variation 1052718 (VCV001052718.5), dbSNP rs555691965, ClinGen allele CA637381.
Genomic context (GRCh38, chr1:16,997,151, plus strand): 5'-AAGAGTGTGTGCCGCCGGTGTGTCTCTGCACAGTAGGGCCCCAGCCCCTCCGGCAGTGCC[G>A]TCTTCAGCACTGGAATGCTCTCTCCTGGTGGGGAACGTGGTGTGAGGACCACTCCACACC-3'
Protein context (NP_071372.1, residues 345-365): LTGESIPVLK[Thr355Met]ALPEGLGPYC